The following is an entry in ClinVar:

NM_201596.3(CACNB2):c.587A>T (p.Tyr196Phe)

Gene: CACNB2 (calcium voltage-gated channel auxiliary subunit beta 2; plus strand). Cytogenetic location: 10p12.31.
Variant type: single nucleotide variant.
Coding change: c.587A>T on transcript NM_201596.3 (MANE Select); coding-DNA position 587, A replaced by T.
Protein change: p.Tyr196Phe; replaces tyrosine 196 with phenylalanine.
Molecular consequence: missense variant.
Genome position (GRCh38, 1-based): chr10:18,500,942, A>T. VCF-style: chr10-18500942-A-T. GRCh37 (hg19) VCF-style: chr10-18789871-A-T.
Other names: c.422A>T, p.Tyr141Phe (NM_000724.4, NM_001330060.2); c.503A>T, p.Tyr168Phe (NM_001167945.2, NM_201571.4, NM_201572.4); c.443A>T, p.Tyr148Phe (NM_001410882.1, NM_201570.3); c.425A>T, p.Tyr142Phe (NM_201590.3); c.587A>T, p.Tyr196Phe (NM_201593.3, NM_201597.3); short protein forms Y168F, Y196F, Y141F, Y148F, Y142F.
Identifiers: ClinVar variation 4218013 (VCV004218013.1).
Genomic context (GRCh38, chr10:18,500,942, plus strand): 5'-CAGTCAAACTAGAAAACATGAGGCTGCAGCATGAACAGAGAGCCAAGCAAGGGAAATTCT[A>T]CTCCAGGTATGAGACAGATGTCAAGTGTTTGCATAAAACTTAGATTATACCACTATCTGT-3'
Protein context (NP_963890.2, residues 186-206): HEQRAKQGKF[Tyr196Phe]SSKSGGNSSS

ClinVar aggregate classification (germline): Uncertain significance (1 of 4 stars; one submission).

Conditions:
Cardiovascular phenotype. Identifiers: MedGen CN230736.

Submission:

Ambry Genetics
Classification: Uncertain significance for Cardiovascular phenotype. Last evaluated: 2025-08-30. Review status: criteria provided, single submitter. Criteria: Ambry Variant Classification Scheme 2023. Collection method: clinical testing. Allele origin: germline.
Comment: The p.Y142F variant (also known as c.425A>T), located in coding exon 4 of the CACNB2 gene, results from an A to T substitution at nucleotide position 425. The tyrosine at codon 142 is replaced by phenylalanine, an amino acid with highly similar properties. This amino acid position is conserved. In addition, the in silico prediction for this alteration is inconclusive. Based on the available evidence, the clinical significance of this variant remains unclear.